The following is an entry in ClinVar:

ClinVar aggregate classification (germline): Pathogenic (1 of 4 stars; one submission).

Submission:

Labcorp Genetics (formerly Invitae), Labcorp
Classification: Pathogenic. Last evaluated: 2023-05-16. Review status: criteria provided, single submitter. Criteria: Invitae Variant Classification Sherloc (09022015). Collection method: clinical testing. Allele origin: unknown.
Comment: For these reasons, this variant has been classified as Pathogenic. This variant has not been reported in the literature in individuals affected with PHEX-related conditions. This variant is a gross deletion of the genomic region encompassing exon(s) 5-12 of the PHEX gene. This deletion is out-of-frame, and is expected to create a premature termination codon and result in an absent or disrupted protein product. Loss-of-function variants in PHEX are known to be pathogenic (PMID: 9097956, 9106524, 19219621).

Literature cited by the submitters: PubMed 9097956; PubMed 9106524; PubMed 19219621.

NC_000023.10:g.(?_22095574)_(22151761_?)del

Gene: PHEX (phosphate regulating endopeptidase X-linked; plus strand). Cytogenetic location: Xp22.11.
Variant type: Deletion.
Identifiers: ClinVar variation 3246044 (VCV003246044.1).